The following is an entry in ClinVar:

ClinVar aggregate classification (germline): Conflicting classifications of pathogenicity. Review status: criteria provided, conflicting classifications (1 of 4 stars). 4 submissions from 4 submitters: Uncertain significance (1); Benign (2). 1 of the submissions does not count toward it. Last evaluated 2025-08-02.

Conditions:
DNAH7-related disorder. Also called: DNAH7-related condition.

Allele frequency attached by ClinVar (database versions not stated): gnomAD exomes 0.00020 and 0.00048; ExAC 0.00059; gnomAD 0.00216 and 0.00233; TOPMed 0.00224; 1000 Genomes Project 0.00260; ESP Exome Variant Server 0.00264; 1000 Genomes Project 30x 0.00297.
gnomAD v4.1: 645 of 1,614,064 alleles (0.04%); highest among the groups gnomAD compares: African/African-American, 0.78%; no homozygotes.

Submissions (4):

Ambry Genetics
Classification: Uncertain significance. Last evaluated: 2025-08-02. Review status: criteria provided, single submitter. Criteria: Ambry Variant Classification Scheme 2023. Collection method: clinical testing. Allele origin: germline.

Labcorp Genetics (formerly Invitae), Labcorp
Classification: Benign. Last evaluated: 2018-06-23. Review status: criteria provided, single submitter. Criteria: Invitae Variant Classification Sherloc (09022015). Collection method: clinical testing. Allele origin: germline.

Breakthrough Genomics
Classification: Benign. Review status: criteria provided, single submitter. Criteria: ACMG Guidelines, 2015. Collection method: not provided. Allele origin: germline. Inheritance: Unknown mechanism. Affected: yes.

PreventionGenetics, part of Exact Sciences
Classification: Benign for DNAH7-related condition. Last evaluated: 2019-05-21. Review status: no assertion criteria provided. Collection method: clinical testing. Allele origin: germline. Not counted in ClinVar's aggregate classification.
Comment: This variant is classified as benign based on ACMG/AMP sequence variant interpretation guidelines (Richards et al. 2015 PMID: 25741868, with internal and published modifications).

NM_018897.3(DNAH7):c.6790G>T (p.Asp2264Tyr)

Gene: DNAH7 (dynein axonemal heavy chain 7; minus strand). Cytogenetic location: 2q32.3.
Variant type: single nucleotide variant.
Coding change: c.6790G>T on transcript NM_018897.3 (MANE Select); coding-DNA position 6790, G replaced by T.
Protein change: p.Asp2264Tyr; replaces aspartic acid 2264 with tyrosine.
Molecular consequence: missense variant.
Genome position (GRCh38, 1-based): chr2:195,864,865, C>A on the plus strand (G>T on the coding strand, the complement: DNAH7 is on the minus strand). VCF-style: chr2-195864865-C-A. GRCh37 (hg19) VCF-style: chr2-196729589-C-A.
Other names: short protein forms D2264Y.
Identifiers: ClinVar variation 736644 (VCV000736644.7), dbSNP rs75067824, ClinGen allele CA2035007.